The following is an entry in ClinVar:

ClinVar aggregate classification (germline): Likely benign. Review status: criteria provided, single submitter (1 of 4 stars). 2 submissions from 2 submitters: Likely benign (1). 1 of the submissions does not count toward it. Last evaluated 2025-12-22.

Conditions:
LRP2-related disorder. Also called: LRP2-related condition.

Allele frequency attached by ClinVar (database versions not stated): gnomAD exomes 0.00002; ExAC 0.00004; gnomAD 0.00007 and 0.00008; TOPMed 0.00008; 1000 Genomes Project 30x 0.00016; 1000 Genomes Project 0.00020.
gnomAD v4.1: 20 of 1,612,266 alleles (0.0012%); highest among the groups gnomAD compares: African/African-American, 0.02%; no homozygotes.

Submissions (2):

Labcorp Genetics (formerly Invitae), Labcorp
Classification: Likely benign. Last evaluated: 2025-12-22. Review status: criteria provided, single submitter. Criteria: Invitae Variant Classification Sherloc (09022015). Collection method: clinical testing. Allele origin: germline.

PreventionGenetics, part of Exact Sciences
Classification: Likely benign for LRP2-related condition. Last evaluated: 2022-04-25. Review status: no assertion criteria provided. Collection method: clinical testing. Allele origin: germline. Not counted in ClinVar's aggregate classification.
Comment: This variant is classified as likely benign based on ACMG/AMP sequence variant interpretation guidelines (Richards et al. 2015 PMID: 25741868, with internal and published modifications).

NM_004525.3(LRP2):c.11888-10T>C

Gene: LRP2 (LDL receptor related protein 2; minus strand). Cytogenetic location: 2q31.1.
Variant type: single nucleotide variant.
Coding change: c.11888-10T>C on transcript NM_004525.3 (MANE Select); 10 bases into the intron before coding-DNA position 11888, T replaced by C.
Molecular consequence: intron variant.
Genome position (GRCh38, 1-based): chr2:169,157,512, A>G on the plus strand (T>C on the coding strand, the complement: LRP2 is on the minus strand). VCF-style: chr2-169157512-A-G. GRCh37 (hg19) VCF-style: chr2-170014022-A-G.
Other names: c.11888-10T>C (NM_004525.2).
Identifiers: ClinVar variation 1597876 (VCV001597876.10), dbSNP rs199803112, ClinGen allele CA1952919.